The following is an entry in ClinVar:

NM_001903.5(CTNNA1):c.256C>T (p.Leu86Phe)

Gene: CTNNA1 (catenin alpha 1; plus strand). Cytogenetic location: 5q31.2.
Variant type: single nucleotide variant.
Coding change: c.256C>T on transcript NM_001903.5 (MANE Select); coding-DNA position 256, C replaced by T.
Protein change: p.Leu86Phe; replaces leucine 86 with phenylalanine.
Molecular consequence: missense variant. On other transcripts: intron variant (2).
Genome position (GRCh38, 1-based): chr5:138,783,327, C>T. VCF-style: chr5-138783327-C-T. GRCh37 (hg19) VCF-style: chr5-138119016-C-T.
Other names: c.256C>T, p.Leu86Phe (NM_001290307.3, NM_001323982.2, NM_001323983.1 and 3 more transcripts); c.-6+55C>T (NM_001290310.3); c.-9+1298C>T (NM_001290309.3); short protein forms L86F.
Identifiers: ClinVar variation 3270110 (VCV003270110.1).

ClinVar aggregate classification (germline): Uncertain significance (1 of 4 stars; one submission).

Conditions:
Hereditary cancer-predisposing syndrome. Also called: Tumor predisposition; Hereditary Cancer Syndrome; Hereditary neoplastic syndrome; Neoplastic Syndromes, Hereditary. Identifiers: Orphanet 140162, MedGen C0027672, MeSH D009386, MONDO:0015356.

Submission:

Ambry Genetics
Classification: Uncertain significance for Hereditary cancer-predisposing syndrome. Last evaluated: 2024-06-23. Review status: criteria provided, single submitter. Criteria: Ambry Variant Classification Scheme 2023. Collection method: clinical testing. Allele origin: germline.
Comment: The p.L86F variant (also known as c.256C>T), located in coding exon 2 of the CTNNA1 gene, results from a C to T substitution at nucleotide position 256. The leucine at codon 86 is replaced by phenylalanine, an amino acid with highly similar properties. This amino acid position is conserved. In addition, the in silico prediction for this alteration is inconclusive. Based on the available evidence, the clinical significance of this variant remains unclear.